The following is an entry in ClinVar:

NM_001204.7(BMPR2):c.*130G>C

Gene: BMPR2 (bone morphogenetic protein receptor type 2; plus strand). Cytogenetic location: 2q33.2.
Variant type: single nucleotide variant.
Coding change: c.*130G>C on transcript NM_001204.7 (MANE Select); 130 bases downstream of the stop codon, G replaced by C.
Molecular consequence: 3 prime UTR variant.
Genome position (GRCh38, 1-based): chr2:202,560,076, G>C. VCF-style: chr2-202560076-G-C. GRCh37 (hg19) VCF-style: chr2-203424799-G-C.
Other names: c.*130G>C (LRG_712t1).
Identifiers: ClinVar variation 333656 (VCV000333656.5), dbSNP rs192184184, ClinGen allele CA10612502.

ClinVar aggregate classification (germline): Benign (1 of 4 stars; one submission).

Conditions:
Pulmonary hypertension, primary, 1 (PPH1). Also called: Pulmonary hypertension, familial primary, 1, with or without HHT. Identifiers: Orphanet 422, MedGen C4552070, MONDO:0024533, OMIM 178600.

Allele frequency attached by ClinVar (database versions not stated): gnomAD 0.00007 and 0.00006; 1000 Genomes Project 0.00040; TOPMed 0.00014; 1000 Genomes Project 30x 0.00047.
gnomAD v4.1: 103 of 1,149,024 alleles (0.009%); highest among the groups gnomAD compares: East Asian, 0.25%; no homozygotes.

Submission:

Illumina Laboratory Services, Illumina
Classification: Benign for Pulmonary hypertension, primary, 1. Last evaluated: 2018-01-12. Review status: criteria provided, single submitter. Criteria: ICSL Variant Classification Criteria 13 December 2019. Collection method: clinical testing. Allele origin: germline.
Comment: This variant was observed in the ICSL laboratory as part of a predisposition screen in an ostensibly healthy population. It had not been previously curated by ICSL or reported in the Human Gene Mutation Database (HGMD: prior to June 1st, 2018), and was therefore a candidate for classification through an automated scoring system. Utilizing variant allele frequency, disease prevalence and penetrance estimates, and inheritance mode, an automated score was calculated to assess if this variant is too frequent to cause the disease. Based on the score and internal cut-off values, a variant classified as benign is not then subjected to further curation. The score for this variant resulted in a classification of benign for this disease.